The following is an entry in ClinVar:

NM_014780.5(CUL7):c.2438_2439delinsGG (p.Gln813Arg)

Gene: CUL7 (cullin 7; minus strand). Cytogenetic location: 6p21.1.
Variant type: Indel.
Coding change: c.2438_2439delinsGG on transcript NM_014780.5 (MANE Select); coding-DNA positions 2438 to 2439, AA replaced by GG.
Protein change: p.Gln813Arg; replaces glutamine 813 with arginine.
Molecular consequence: missense variant.
Genome position (GRCh38, 1-based): chr6:43,046,560-43,046,561, TT replaced by CC on the plus strand (AA replaced by GG on the coding strand, the reverse complement: CUL7 is on the minus strand). VCF-style: chr6-43046560-TT-CC. GRCh37 (hg19) VCF-style: chr6-43014298-TT-CC.
Other names: c.2534_2535delinsGG, p.Gln845Arg (NM_001168370.2, NM_001374872.1); c.2438_2439delinsGG, p.Gln813Arg (NM_001374873.1, NM_001374874.1); short protein forms Q813R, Q845R.
Identifiers: ClinVar variation 260435 (VCV000260435.13), dbSNP rs61748654, ClinGen allele CA10586943.

ClinVar aggregate classification (germline): Conflicting classifications of pathogenicity. Review status: criteria provided, conflicting classifications (1 of 4 stars). 4 submissions from 4 submitters: Uncertain significance (1); Benign (3). Last evaluated 2026-05-13.

Conditions:
3M syndrome 1. Also called: 3-M Syndrome, CUL7-Related. Identifiers: Orphanet 2616, MedGen C2678312, MONDO:0010117, OMIM 273750.

Submissions (4):

Women's Health and Genetics/Laboratory Corporation of America, LabCorp
Classification: Benign. Last evaluated: 2026-05-13. Review status: criteria provided, single submitter. Criteria: LabCorp Variant Classification Summary - May 2015. Collection method: clinical testing. Allele origin: germline.
Comment: Variant summary: CUL7 c.2438_2439delinsGG (p.Gln813Arg) results in a conservative amino acid change in the encoded protein sequence. Algorithms developed to predict the effect of missense changes on protein structure and function all suggest that this variant is likely to be tolerated. The variant allele was found at a frequency of 0.97 in 1614046 control chromosomes, suggesting that it is the major allele and therefore benign. The observed variant frequency exceeds the estimated maximal expected allele frequency for disease-causing variants in CUL7. ClinVar contains an entry for this variant (Variation ID: 260435). Based on the evidence outlined above, the variant was classified as benign.

Labcorp Genetics (formerly Invitae), Labcorp
Classification: Benign. Last evaluated: 2026-02-04. Review status: criteria provided, single submitter. Criteria: Invitae Variant Classification Sherloc (09022015). Collection method: clinical testing. Allele origin: germline.

Intergen Genetics and Rare Diseases Diagnosis Center
Classification: Uncertain significance for 3M syndrome 1. Last evaluated: 2023-07-04. Review status: criteria provided, single submitter. Criteria: ACMG Guidelines, 2015. Collection method: clinical testing. Allele origin: unknown. Inheritance: Autosomal recessive inheritance. Affected: no. Observed: 1 heterozygote.

PreventionGenetics, part of Exact Sciences
Classification: Benign. Review status: criteria provided, single submitter. Criteria: ACMG Guidelines, 2015. Collection method: clinical testing. Allele origin: germline.